The following is an entry in ClinVar:

NM_005477.3(HCN4):c.1467G>A (p.Met489Ile)

Gene: HCN4 (hyperpolarization activated cyclic nucleotide gated potassium channel 4; minus strand). Cytogenetic location: 15q24.1.
Variant type: single nucleotide variant.
Coding change: c.1467G>A on transcript NM_005477.3 (MANE Select); coding-DNA position 1467, G replaced by A.
Protein change: p.Met489Ile; replaces methionine 489 with isoleucine.
Molecular consequence: missense variant.
Genome position (GRCh38, 1-based): chr15:73,329,696, C>T on the plus strand (G>A on the coding strand, the complement: HCN4 is on the minus strand). VCF-style: chr15-73329696-C-T. GRCh37 (hg19) VCF-style: chr15-73622037-C-T.
Other names: short protein forms M489I.
Identifiers: ClinVar variation 1054617 (VCV001054617.6), dbSNP rs771198178, ClinGen allele CA7649290.
Genomic context (GRCh38, chr15:73,329,696, plus strand): 5'-GAACATGGCGTAGCAGGTGGCACCCACGATCATGCTGAGCATGGTGAGCCAGACGTCGGA[C>T]ATGCCCACGGGCGCCTGCCGCCCGTAGCCGATGCACAGCATGTGGCTCATGGCCTTGAAG-3'
Protein context (NP_005468.1, residues 479-499): IGYGRQAPVG[Met489Ile]SDVWLTMLSM

ClinVar aggregate classification (germline): Uncertain significance (1 of 4 stars; one submission).

Conditions:
Brugada syndrome 8 (BRGDA8). Identifiers: Orphanet 130, MedGen C2751083, MONDO:0013148, OMIM 613123.

Allele frequency attached by ClinVar (database versions not stated): TOPMed below 0.00001; ExAC 0.00001; gnomAD 0.00001; gnomAD exomes 0.00001; 1000 Genomes Project 30x 0.00016.
gnomAD v4.1: 9 of 1,614,186 alleles (0.00056%); highest among the groups gnomAD compares: African/African-American, 0.0013%; no homozygotes.

Submission:

Labcorp Genetics (formerly Invitae), Labcorp
Classification: Uncertain significance for Brugada syndrome 8. Last evaluated: 2022-09-13. Review status: criteria provided, single submitter. Criteria: Invitae Variant Classification Sherloc (09022015). Collection method: clinical testing. Allele origin: germline.
Comment: This sequence change replaces methionine, which is neutral and non-polar, with isoleucine, which is neutral and non-polar, at codon 489 of the HCN4 protein (p.Met489Ile). This variant is not present in population databases (gnomAD no frequency). This variant has not been reported in the literature in individuals affected with HCN4-related conditions. ClinVar contains an entry for this variant (Variation ID: 1054617). Advanced modeling of protein sequence and biophysical properties (such as structural, functional, and spatial information, amino acid conservation, physicochemical variation, residue mobility, and thermodynamic stability) performed at Invitae indicates that this missense variant is not expected to disrupt HCN4 protein function. In summary, the available evidence is currently insufficient to determine the role of this variant in disease. Therefore, it has been classified as a Variant of Uncertain Significance.